The following is an entry in ClinVar:

ClinVar aggregate classification (germline): Uncertain significance (1 of 4 stars; one submission).

gnomAD v4.1: 3 of 1,603,990 alleles (0.00019%); highest among the groups gnomAD compares: Non-Finnish European, 0.00026%; no homozygotes.

Submission:

Labcorp Genetics (formerly Invitae), Labcorp
Classification: Uncertain significance. Last evaluated: 2025-10-12. Review status: criteria provided, single submitter. Criteria: Invitae Variant Classification Sherloc (09022015). Collection method: clinical testing. Allele origin: germline.
Comment: This sequence change falls in intron 4 of the DCHS1 gene. It does not directly change the encoded amino acid sequence of the DCHS1 protein. It affects a nucleotide within the consensus splice site. This variant is not present in population databases (gnomAD no frequency). This variant has not been reported in the literature in individuals affected with DCHS1-related conditions. Variants that disrupt the consensus splice site are a relatively common cause of aberrant splicing (PMID: 17576681, 9536098). Algorithms developed to predict the effect of sequence changes on RNA splicing suggest that this variant is not likely to affect RNA splicing. In summary, the available evidence is currently insufficient to determine the role of this variant in disease. Therefore, it has been classified as a Variant of Uncertain Significance.

Literature cited by the submitters: PubMed 17576681; PubMed 9536098.

NM_003737.4(DCHS1):c.2219-3C>T

Gene: DCHS1 (dachsous cadherin-related 1; minus strand). Cytogenetic location: 11p15.4.
Variant type: single nucleotide variant.
Coding change: c.2219-3C>T on transcript NM_003737.4 (MANE Select); 3 bases into the intron before coding-DNA position 2219, C replaced by T.
Molecular consequence: intron variant.
Genome position (GRCh38, 1-based): chr11:6,633,651, G>A on the plus strand (C>T on the coding strand, the complement: DCHS1 is on the minus strand). VCF-style: chr11-6633651-G-A. GRCh37 (hg19) VCF-style: chr11-6654882-G-A.
Identifiers: ClinVar variation 4772175 (VCV004772175.1).